The following is an entry in ClinVar:

ClinVar aggregate classification (germline): Uncertain significance (1 of 4 stars; one submission).

Submission:

CeGaT Center for Human Genetics Tuebingen
Classification: Uncertain significance. Last evaluated: 2024-01-01. Review status: criteria provided, single submitter. Criteria: CeGaT Center For Human Genetics Tuebingen Variant Classification Criteria Version 2. Collection method: clinical testing. Allele origin: germline. Affected: yes. Observed: 1 variant allele.
Comment: BBS7: PM2, PM3

NM_176824.3(BBS7):c.341+5G>A

Gene: BBS7 (Bardet-Biedl syndrome 7; minus strand). Cytogenetic location: 4q27.
Variant type: single nucleotide variant.
Coding change: c.341+5G>A on transcript NM_176824.3 (MANE Select); 5 bases into the intron after coding-DNA position 341, G replaced by A.
Molecular consequence: intron variant.
Genome position (GRCh38, 1-based): chr4:121,861,499, C>T on the plus strand (G>A on the coding strand, the complement: BBS7 is on the minus strand). VCF-style: chr4-121861499-C-T. GRCh37 (hg19) VCF-style: chr4-122782654-C-T.
Other names: c.341+5G>A (NM_018190.4).
Identifiers: ClinVar variation 3026978 (VCV003026978.22), dbSNP rs1726974683, ClinGen allele CA1490029014.